The following is an entry in ClinVar:

NM_003482.4(KMT2D):c.9930A>G (p.Gln3310=)

Gene: KMT2D (lysine methyltransferase 2D; minus strand). Cytogenetic location: 12q13.12.
Variant type: single nucleotide variant.
Coding change: c.9930A>G on transcript NM_003482.4 (MANE Select); coding-DNA position 9930, A replaced by G.
Protein change: p.Gln3310=; no amino-acid change (glutamine 3310 retained).
Molecular consequence: synonymous variant.
Genome position (GRCh38, 1-based): chr12:49,037,426, T>C on the plus strand (A>G on the coding strand, the complement: KMT2D is on the minus strand). VCF-style: chr12-49037426-T-C. GRCh37 (hg19) VCF-style: chr12-49431209-T-C.
Identifiers: ClinVar variation 2730357 (VCV002730357.5), dbSNP rs750004710, ClinGen allele CA6546636.

ClinVar aggregate classification (germline): Conflicting classifications of pathogenicity. Review status: criteria provided, conflicting classifications (1 of 4 stars). 3 submissions from 3 submitters: Uncertain significance (1); Benign (1). 1 of the submissions does not count toward it. Last evaluated 2024-01-23.

Conditions:
Kabuki syndrome. Also called: Kabuki make-up syndrome; NIIKAWA-KUROKI SYNDROME. Identifiers: Orphanet 2322, MedGen C0796004, MONDO:0016512.
Choanal atresia-athelia-hypothyroidism-delayed puberty-short stature syndrome (BCAHH). Also called: BRANCHIAL ARCH ABNORMALITIES, CHOANAL ATRESIA, ATHELIA, HEARING LOSS, AND HYPOTHYROIDISM SYNDROME. Identifiers: Orphanet 589856, MedGen C5680310, MONDO:0035651, OMIM 620186.
Kabuki syndrome 1 (KABUK1). Also called: KMT2D-Related Kabuki Syndrome. Identifiers: Orphanet 2322, MedGen CN030661, MONDO:0007843, OMIM 147920.
KMT2D-related disorder. Also called: KMT2D-Related Disorders.

Allele frequency attached by ClinVar (database versions not stated): gnomAD exomes 0.00003; TOPMed 0.00003; ExAC 0.00004; gnomAD 0.00005.
gnomAD v4.1: 46 of 1,596,072 alleles (0.0029%); highest among the groups gnomAD compares: African/African-American, 0.008%; no homozygotes.

Submissions (3):

Fulgent Genetics
Classification: Uncertain significance for Kabuki syndrome 1; Choanal atresia-athelia-hypothyroidism-delayed puberty-short stature syndrome. Last evaluated: 2024-01-23. Review status: criteria provided, single submitter. Criteria: ACMG Guidelines, 2015. Collection method: clinical testing. Allele origin: germline.

Labcorp Genetics (formerly Invitae), Labcorp
Classification: Benign for Kabuki syndrome. Last evaluated: 2023-12-02. Review status: criteria provided, single submitter. Criteria: Invitae Variant Classification Sherloc (09022015). Collection method: clinical testing. Allele origin: germline.

PreventionGenetics, part of Exact Sciences
Classification: Likely benign for KMT2D-related condition. Last evaluated: 2024-08-29. Review status: no assertion criteria provided. Collection method: clinical testing. Allele origin: germline. Not counted in ClinVar's aggregate classification.
Comment: This variant is classified as likely benign based on ACMG/AMP sequence variant interpretation guidelines (Richards et al. 2015 PMID: 25741868, with internal and published modifications).